The following is an entry in ClinVar:

ClinVar aggregate classification (germline): Pathogenic/Likely pathogenic. Review status: criteria provided, multiple submitters, no conflicts (2 of 4 stars). 5 submissions from 5 submitters: Pathogenic (2); Likely pathogenic (2). 1 of the submissions does not count toward it. Last evaluated 2024-12-15.

Conditions:
Leber congenital amaurosis (LCA). Also called: Leber's amaurosis. Identifiers: Orphanet 65, MedGen C0339527, MeSH D057130, MONDO:0018998.
Bardet-Biedl syndrome 14 (BBS14). Identifiers: Orphanet 110, MedGen C2673874, MONDO:0014442, OMIM 615991.
CEP290-related ciliopathy. Also called: CEP290 ciliopathy. Identifiers: MedGen CN305601, MONDO:0100451.
CEP290-related disorder. Also called: CEP290-related condition; CEP290-related disorders. Identifiers: MedGen CN239314.
Meckel-Gruber syndrome. Also called: Dysencephalia splachnocystica; DYSENCEPHALIA SPLANCHNOCYSTICA; GRUBER SYNDROME. Identifiers: Orphanet 564, MedGen C0265215, MONDO:0018921.
Nephronophthisis. Also called: Juvenile Nephronophthisis. Identifiers: Orphanet 655, MedGen C0687120, MONDO:0019005, HP:0000090.
Joubert syndrome. Also called: Familial aplasia of the vermis; JOUBERT-BOLTSHAUSER SYNDROME. Identifiers: Orphanet 475, MedGen C5979921, MONDO:0018772.

Allele frequency attached by ClinVar (database versions not stated): gnomAD exomes below 0.00001; TOPMed below 0.00001; ExAC 0.00002.
gnomAD v4.1: 3 of 1,600,776 alleles (0.00019%); highest among the groups gnomAD compares: Admixed American, 0.0017%; no homozygotes.

Submissions (5):

Myriad Genetics, Inc.
Classification: Pathogenic for CEP290-related ciliopathy. Last evaluated: 2024-12-15. Review status: criteria provided, single submitter. Criteria: Myriad Autosomal Dominant, Autosomal Recessive and X-Linked Classification Criteria (2023). Collection method: clinical testing. Allele origin: unknown.
Comment: NM_025114.3(CEP290):c.4763T>G(L1588*) is expected to be pathogenic in the context of CEP290-related disorders. This variant is predicted to lead to an abnormal or absent protein product due to the creation of a premature termination codon in CEP290, a gene where loss-of-function variants are known to be pathogenic. Please note: this variant was assessed in the context of healthy population screening.

Natera, Inc.
Classification: Likely pathogenic for Leber congenital amaurosis. Last evaluated: 2024-05-21. Review status: criteria provided, single submitter. Criteria: Natera Variant Classification Schema (03/2026). Collection method: clinical testing. Allele origin: germline.
Comment: The c.4763T>G variant in CEP290 is a nonsense variant predicted to introduce a stop codon at amino acid 1588. This variant is expected to result in nonsense mediated decay, truncation, or a dysfunctional protein product. This variant is rare in the general population with a frequency below the threshold expected for the associated phenotype(s). Given the available evidence, this variant is classified as Likely Pathogenic.

Baylor Genetics
Classification: Likely pathogenic for Bardet-Biedl syndrome 14. Last evaluated: 2024-03-30. Review status: criteria provided, single submitter. Criteria: ACMG Guidelines, 2015. Collection method: clinical testing. Allele origin: unknown.

Labcorp Genetics (formerly Invitae), Labcorp
Classification: Pathogenic for Joubert syndrome; Meckel-Gruber syndrome; Nephronophthisis. Last evaluated: 2021-09-22. Review status: criteria provided, single submitter. Criteria: Invitae Variant Classification Sherloc (09022015). Collection method: clinical testing. Allele origin: germline.
Comment: This variant is present in population databases (rs760653238, ExAC 0.02%). This sequence change creates a premature translational stop signal (p.Leu1588*) in the CEP290 gene. It is expected to result in an absent or disrupted protein product. Loss-of-function variants in CEP290 are known to be pathogenic (PMID: 16909394, 17345604, 20690115). For these reasons, this variant has been classified as Pathogenic. This variant has not been reported in the literature in individuals affected with CEP290-related conditions.

PreventionGenetics, part of Exact Sciences
Classification: Pathogenic for CEP290-related condition. Last evaluated: 2024-04-10. Review status: no assertion criteria provided. Collection method: clinical testing. Allele origin: germline. Not counted in ClinVar's aggregate classification.
Comment: The CEP290 c.4763T>G variant is predicted to result in premature protein termination (p.Leu1588*). This variant was reported in a carrier variant study of autosomal recessive inherited retinal diseases (Table S3 of Hanany et al. 2020. PubMed ID: 31964843). This variant is reported in 0.0031% of alleles in individuals of Latino descent in gnomAD. Nonsense variants in CEP290 are expected to be pathogenic. This variant is interpreted as pathogenic.

Literature cited by the submitters: PubMed 16909394 (cited by Labcorp Genetics (formerly Invitae), Labcorp); PubMed 17345604 (cited by Labcorp Genetics (formerly Invitae), Labcorp); PubMed 20690115 (cited by Labcorp Genetics (formerly Invitae), Labcorp).

NM_025114.4(CEP290):c.4763T>G (p.Leu1588Ter)

Gene: CEP290 (centrosomal protein 290; minus strand). Cytogenetic location: 12q21.32.
Variant type: single nucleotide variant.
Coding change: c.4763T>G on transcript NM_025114.4 (MANE Select); coding-DNA position 4763, T replaced by G.
Protein change: p.Leu1588Ter; replaces leucine 1588 with a stop codon.
Molecular consequence: nonsense.
Genome position (GRCh38, 1-based): chr12:88,083,896, A>C on the plus strand (T>G on the coding strand, the complement: CEP290 is on the minus strand). VCF-style: chr12-88083896-A-C. GRCh37 (hg19) VCF-style: chr12-88477673-A-C.
Other names: c.4763T>G (NM_025114.3); short protein forms L1588*.
Identifiers: ClinVar variation 1401867 (VCV001401867.10), dbSNP rs760653238, ClinGen allele CA6711868.